The following is an entry in ClinVar:

ClinVar aggregate classification (germline): Uncertain significance (1 of 4 stars; one submission).

Conditions:
Smith-Lemli-Opitz syndrome (SLOS). Also called: LETHAL ACRODYSGENITAL SYNDROME; POLYDACTYLY, SEX REVERSAL, RENAL HYPOPLASIA, AND UNILOBAR LUNG; RSH SYNDROME; RUTLEDGE LETHAL MULTIPLE CONGENITAL ANOMALY SYNDROME; 7-Dehydrocholesterol reductase deficiency. Identifiers: Orphanet 818, MedGen C0175694, MONDO:0010035, OMIM 270400.

Allele frequency attached by ClinVar (database versions not stated): gnomAD 0.00001; ExAC 0.00002; gnomAD exomes below 0.00001; TOPMed below 0.00001.

Submission:

Labcorp Genetics (formerly Invitae), Labcorp
Classification: Uncertain significance for Smith-Lemli-Opitz syndrome. Last evaluated: 2023-05-15. Review status: criteria provided, single submitter. Criteria: Invitae Variant Classification Sherloc (09022015). Collection method: clinical testing. Allele origin: germline.
Comment: In summary, the available evidence is currently insufficient to determine the role of this variant in disease. Therefore, it has been classified as a Variant of Uncertain Significance. Advanced modeling of protein sequence and biophysical properties (such as structural, functional, and spatial information, amino acid conservation, physicochemical variation, residue mobility, and thermodynamic stability) performed at Invitae indicates that this missense variant is expected to disrupt DHCR7 protein function. ClinVar contains an entry for this variant (Variation ID: 1902192). This variant has not been reported in the literature in individuals affected with DHCR7-related conditions. This variant is present in population databases (rs748390752, gnomAD 0.009%). This sequence change replaces tryptophan, which is neutral and slightly polar, with arginine, which is basic and polar, at codon 232 of the DHCR7 protein (p.Trp232Arg).

NM_001360.3(DHCR7):c.694T>C (p.Trp232Arg)

Gene: DHCR7 (7-dehydrocholesterol reductase; minus strand). Cytogenetic location: 11q13.4.
Variant type: single nucleotide variant.
Coding change: c.694T>C on transcript NM_001360.3 (MANE Select); coding-DNA position 694, T replaced by C.
Protein change: p.Trp232Arg; replaces tryptophan 232 with arginine.
Molecular consequence: missense variant.
Genome position (GRCh38, 1-based): chr11:71,439,016, A>G on the plus strand (T>C on the coding strand, the complement: DHCR7 is on the minus strand). VCF-style: chr11-71439016-A-G. GRCh37 (hg19) VCF-style: chr11-71150062-A-G.
Other names: c.694T>C, p.Trp232Arg (NM_001163817.2); short protein forms W232R.
Identifiers: ClinVar variation 1902192 (VCV001902192.3), dbSNP rs748390752, ClinGen allele CA6162483.